The following is an entry in ClinVar:

ClinVar aggregate classification (germline): Uncertain significance (1 of 4 stars; one submission).

Conditions:
Early-infantile DEE. Also called: Early infantile epileptic encephalopathy with suppression bursts; Ohtahara syndrome; Early infantile epileptic encephalopathy. Identifiers: Orphanet 1934, MedGen C0393706, MONDO:0800491.

Submission:

Labcorp Genetics (formerly Invitae), Labcorp
Classification: Uncertain significance for Early-infantile DEE. Last evaluated: 2023-04-12. Review status: criteria provided, single submitter. Criteria: Invitae Variant Classification Sherloc (09022015). Collection method: clinical testing. Allele origin: germline.
Comment: In summary, the available evidence is currently insufficient to determine the role of this variant in disease. Therefore, it has been classified as a Variant of Uncertain Significance. Algorithms developed to predict the effect of sequence changes on RNA splicing suggest that this variant may create or strengthen a splice site. This variant has not been reported in the literature in individuals affected with SPTAN1-related conditions. This variant is not present in population databases (gnomAD no frequency). This sequence change affects codon 2030 of the SPTAN1 mRNA. It is a 'silent' change, meaning that it does not change the encoded amino acid sequence of the SPTAN1 protein.

NM_001130438.3(SPTAN1):c.6088C>T (p.Leu2030=)

Gene: SPTAN1 (spectrin alpha, non-erythrocytic 1; plus strand). Cytogenetic location: 9q34.11.
Variant type: single nucleotide variant.
Coding change: c.6088C>T on transcript NM_001130438.3 (MANE Select); coding-DNA position 6088, C replaced by T.
Protein change: p.Leu2030=; no amino-acid change (leucine 2030 retained).
Molecular consequence: synonymous variant.
Genome position (GRCh38, 1-based): chr9:128,625,787, C>T. VCF-style: chr9-128625787-C-T. GRCh37 (hg19) VCF-style: chr9-131388066-C-T.
Other names: c.6013C>T, p.Leu2005= (NM_001195532.2); c.6088C>T, p.Leu2030= (NM_001363759.2, NM_001375310.1, NM_001375311.2 and 1 more transcripts); c.6028C>T, p.Leu2010= (NM_001363765.2, NM_001375314.2); c.6124C>T, p.Leu2042= (NM_001375312.2, NM_001375318.1); c.6073C>T, p.Leu2025= (NM_003127.4).
Identifiers: ClinVar variation 2995085 (VCV002995085.3), dbSNP rs2542188123, ClinGen allele CA467304280.